The following is an entry in ClinVar:

NM_022124.6(CDH23):c.3037C>T (p.Arg1013Trp)

Gene: CDH23 (cadherin related 23; plus strand). Cytogenetic location: 10q22.1.
Variant type: single nucleotide variant.
Coding change: c.3037C>T on transcript NM_022124.6 (MANE Select); coding-DNA position 3037, C replaced by T.
Protein change: p.Arg1013Trp; replaces arginine 1013 with tryptophan.
Molecular consequence: missense variant.
Genome position (GRCh38, 1-based): chr10:71,706,980, C>T. VCF-style: chr10-71706980-C-T. GRCh37 (hg19) VCF-style: chr10-73466737-C-T.
Other names: c.3037C>T, p.Arg1013Trp (NM_001171930.2, NM_001171931.2); short protein forms R1013W.
Identifiers: ClinVar variation 1479793 (VCV001479793.5), dbSNP rs759728994, ClinGen allele CA5544431.

ClinVar aggregate classification (germline): Uncertain significance (1 of 4 stars; one submission).

Allele frequency attached by ClinVar (database versions not stated): gnomAD exomes below 0.00001 and 0.00001; gnomAD 0.00001; ExAC 0.00003.
gnomAD v4.1: 7 of 1,607,630 alleles (0.00044%); highest among the groups gnomAD compares: South Asian, 0.0011%; no homozygotes.

Submission:

Labcorp Genetics (formerly Invitae), Labcorp
Classification: Uncertain significance. Last evaluated: 2022-04-11. Review status: criteria provided, single submitter. Criteria: Invitae Variant Classification Sherloc (09022015). Collection method: clinical testing. Allele origin: germline.
Comment: This sequence change replaces arginine, which is basic and polar, with tryptophan, which is neutral and slightly polar, at codon 1013 of the CDH23 protein (p.Arg1013Trp). The frequency data for this variant in the population databases is considered unreliable, as metrics indicate poor data quality at this position in the gnomAD database. This variant has not been reported in the literature in individuals affected with CDH23-related conditions. Algorithms developed to predict the effect of missense changes on protein structure and function are either unavailable or do not agree on the potential impact of this missense change (SIFT: "Deleterious"; PolyPhen-2: "Not Available"; Align-GVGD: "Class C35"). In summary, the available evidence is currently insufficient to determine the role of this variant in disease. Therefore, it has been classified as a Variant of Uncertain Significance.